The following is an entry in ClinVar:

ClinVar aggregate classification (germline): Pathogenic (1 of 4 stars; one submission).

Conditions:
Sjögren-Larsson syndrome (SLS). Also called: FALDH DEFICIENCY; FATTY ALCOHOL:NAD+ OXIDOREDUCTASE DEFICIENCY; FATTY ALDEHYDE DEHYDROGENASE DEFICIENCY; ICHTHYOSIS, SPASTIC NEUROLOGIC DISORDER, AND OLIGOPHRENIA. Identifiers: Orphanet 816, MedGen C0037231, MONDO:0010031, OMIM 270200.

Submission:

Myriad Genetics, Inc.
Classification: Pathogenic for Sjögren-Larsson syndrome. Last evaluated: 2025-08-26. Review status: criteria provided, single submitter. Criteria: Myriad Autosomal Dominant, Autosomal Recessive and X-Linked Classification Criteria (2023). Collection method: clinical testing. Allele origin: unknown.
Comment: NM_000382.2(ALDH3A2):c.465dupA(D156Rfs*9) is expected to be pathogenic in the context of Sjogren-Larsson syndrome. This variant is predicted to lead to an abnormal or absent protein product due to the creation of a premature termination codon in ALDH3A2, a gene where loss-of-function variants are known to be pathogenic. Please note: this variant was assessed in the context of healthy population screening.

NM_000382.3(ALDH3A2):c.465dup (p.Asp156fs)

Gene: ALDH3A2 (aldehyde dehydrogenase 3 family member A2; plus strand). Cytogenetic location: 17p11.2.
Variant type: Duplication.
Coding change: c.465dup on transcript NM_000382.3 (MANE Select); coding-DNA position 465, one base duplicated (A; older notation c.465dupA).
Protein change: p.Asp156fs; shifts the reading frame from aspartic acid 156.
Molecular consequence: frameshift variant. On other transcripts: 5 prime UTR variant (1).
Genome position (GRCh38, 1-based): chr17:19,652,626, A duplicated. VCF-style (leftmost placement, unchanged base first): chr17-19652625-T-TA. GRCh37 (hg19) VCF-style: chr17-19555938-T-TA.
Other names: c.465dup, p.Asp156fs (NM_001031806.2, NM_001369136.1, NM_001369137.2 and 3 more transcripts); c.-224dup (NM_001369148.2); short protein forms D156fs.
Identifiers: ClinVar variation 5014918 (VCV005014918.1).